The following is an entry in ClinVar:

NM_000350.3(ABCA4):c.1357-110C>A

Gene: ABCA4 (ATP binding cassette subfamily A member 4; minus strand). Cytogenetic location: 1p22.1.
Variant type: single nucleotide variant.
Coding change: c.1357-110C>A on transcript NM_000350.3 (MANE Select); 110 bases into the intron before coding-DNA position 1357, C replaced by A.
Molecular consequence: intron variant.
Genome position (GRCh38, 1-based): chr1:94,077,997, G>T on the plus strand (C>A on the coding strand, the complement: ABCA4 is on the minus strand). VCF-style: chr1-94077997-G-T. GRCh37 (hg19) VCF-style: chr1-94543553-G-T.
Identifiers: ClinVar variation 679572 (VCV000679572.1), dbSNP rs74104506, ClinGen allele CA26867186.

ClinVar aggregate classification (germline): Likely benign (1 of 4 stars; one submission).

Allele frequency attached by ClinVar (database versions not stated): 1000 Genomes Project 30x 0.00906; gnomAD 0.00927; 1000 Genomes Project 0.00958; TOPMed 0.01038.
gnomAD v4.1: 2,441 of 1,054,792 alleles (0.23%); highest among the groups gnomAD compares: African/African-American, 3.3%; 53 homozygotes.

Submission:

GeneDx
Classification: Likely benign. Last evaluated: 2018-06-19. Review status: criteria provided, single submitter. Criteria: GeneDx Variant Classification (06012015). Collection method: clinical testing. Allele origin: germline. Affected: yes.
Comment: This variant is considered likely benign or benign based on one or more of the following criteria: it is a conservative change, it occurs at a poorly conserved position in the protein, it is predicted to be benign by multiple in silico algorithms, and/or has population frequency not consistent with disease.